The following is an entry in ClinVar:

ClinVar aggregate classification (germline): Uncertain significance (1 of 4 stars; one submission).

Conditions:
Hereditary motor and sensory neuropathy, Okinawa type (HMSNO). Also called: HEREDITARY MOTOR AND SENSORY NEUROPATHY, PROXIMAL TYPE. Identifiers: Orphanet 90117, MedGen C1858338, MONDO:0011468, OMIM 604484.
Hereditary spastic paraplegia 57. Also called: Spastic paraplegia 57, autosomal recessive. Identifiers: Orphanet 431329, MedGen C3714897, MONDO:0014295, OMIM 615658.

Allele frequency attached by ClinVar (database versions not stated): ExAC 0.00001; gnomAD 0.00001; gnomAD exomes 0.00001; TOPMed 0.00003; ESP Exome Variant Server 0.00008.
gnomAD v4.1: 9 of 1,606,518 alleles (0.00056%); highest among the groups gnomAD compares: Admixed American, 0.0017%; no homozygotes.

Submission:

Labcorp Genetics (formerly Invitae), Labcorp
Classification: Uncertain significance for Hereditary motor and sensory neuropathy, Okinawa type; Hereditary spastic paraplegia 57. Last evaluated: 2023-08-23. Review status: criteria provided, single submitter. Criteria: Invitae Variant Classification Sherloc (09022015). Collection method: clinical testing. Allele origin: germline.
Comment: In summary, the available evidence is currently insufficient to determine the role of this variant in disease. Therefore, it has been classified as a Variant of Uncertain Significance. An algorithm developed to predict the effect of missense changes on protein structure and function (PolyPhen-2) suggests that this variant is likely to be disruptive. ClinVar contains an entry for this variant (Variation ID: 1390506). This variant has not been reported in the literature in individuals affected with TFG-related conditions. This variant is present in population databases (rs368994316, gnomAD 0.007%). This sequence change replaces alanine, which is neutral and non-polar, with valine, which is neutral and non-polar, at codon 274 of the TFG protein (p.Ala274Val).

NM_006070.6(TFG):c.821C>T (p.Ala274Val)

Gene: TFG (trafficking from ER to golgi regulator; plus strand). Cytogenetic location: 3q12.2.
Variant type: single nucleotide variant.
Coding change: c.821C>T on transcript NM_006070.6 (MANE Select); coding-DNA position 821, C replaced by T.
Protein change: p.Ala274Val; replaces alanine 274 with valine.
Molecular consequence: missense variant.
Genome position (GRCh38, 1-based): chr3:100,748,149, C>T. VCF-style: chr3-100748149-C-T. GRCh37 (hg19) VCF-style: chr3-100466993-C-T.
Other names: c.821C>T, p.Ala274Val (NM_001007565.2, NM_001195478.2); c.809C>T, p.Ala270Val (NM_001195479.2); short protein forms A270V, A274V.
Identifiers: ClinVar variation 1390506 (VCV001390506.8), dbSNP rs368994316, ClinGen allele CA2517211.